The following is an entry in ClinVar:

ClinVar aggregate classification (germline): Uncertain significance. Review status: criteria provided, multiple submitters, no conflicts (2 of 4 stars). 2 submissions from 2 submitters: Uncertain significance (2). Last evaluated 2025-06-16.

gnomAD v4.1: 19 of 1,614,066 alleles (0.0012%); highest among the groups gnomAD compares: Non-Finnish European, 0.0015%; no homozygotes.

Submissions (2):

Labcorp Genetics (formerly Invitae), Labcorp
Classification: Uncertain significance. Last evaluated: 2025-06-16. Review status: criteria provided, single submitter. Criteria: Invitae Variant Classification Sherloc (09022015). Collection method: clinical testing. Allele origin: germline.
Comment: This sequence change replaces glycine, which is neutral and non-polar, with aspartic acid, which is acidic and polar, at codon 890 of the ADAMTS18 protein (p.Gly890Asp). This variant is present in population databases (rs748795606, gnomAD 0.003%). This variant has not been reported in the literature in individuals affected with ADAMTS18-related conditions. An algorithm developed to predict the effect of missense changes on protein structure and function (PolyPhen-2) suggests that this variant is likely to be disruptive. In summary, the available evidence is currently insufficient to determine the role of this variant in disease. Therefore, it has been classified as a Variant of Uncertain Significance.

Blueprint Genetics
Classification: Uncertain significance. Last evaluated: 2024-02-16. Review status: criteria provided, single submitter. Criteria: ACMG Guidelines, 2015. Collection method: clinical testing. Allele origin: germline.

NM_199355.4(ADAMTS18):c.2669G>A (p.Gly890Asp)

Gene: ADAMTS18 (ADAM metallopeptidase with thrombospondin type 1 motif 18; minus strand). Cytogenetic location: 16q23.1.
Variant type: single nucleotide variant.
Coding change: c.2669G>A on transcript NM_199355.4 (MANE Select); coding-DNA position 2669, G replaced by A.
Protein change: p.Gly890Asp; replaces glycine 890 with aspartic acid.
Molecular consequence: missense variant.
Genome position (GRCh38, 1-based): chr16:77,300,268, C>T on the plus strand (G>A on the coding strand, the complement: ADAMTS18 is on the minus strand). VCF-style: chr16-77300268-C-T. GRCh37 (hg19) VCF-style: chr16-77334165-C-T.
Other names: c.2153G>A, p.Gly718Asp (NM_001326358.2); short protein forms G718D, G890D.
Identifiers: ClinVar variation 4764794 (VCV004764794.2).
Genomic context (GRCh38, chr16:77,300,268, plus strand): 5'-AAGAACCTGTTTTAAGAGAGACAGACTTTGGAGACAGAATGAGAAAATCATCTACCTCCA[C>T]CACAGGAGACGGAGCACTCTGACTGCACGATACTCCAGGTATAGGCAGGTCTTTTTGTGG-3'
Protein context (NP_955387.1, residues 880-900): IVQSECSVSC[Gly890Asp]GGYINVKAIC